The following is an entry in ClinVar:

ClinVar aggregate classification (germline): Pathogenic (1 of 4 stars; one submission).

Conditions:
Ataxia-telangiectasia syndrome (AT). Also called: Ataxia-telangiectasia; Cerebello-oculocutaneous telangiectasia; Immunodeficiency with ataxia telangiectasia; ATAXIA-TELANGIECTASIA, COMPLEMENTATION GROUP A; ATAXIA-TELANGIECTASIA, FRESNO VARIANT; Ataxia-telangiectasia, complementation group D. Identifiers: Orphanet 100, MedGen C0004135, MONDO:0008840, OMIM 208900.

Submission:

Labcorp Genetics (formerly Invitae), Labcorp
Classification: Pathogenic for Ataxia-telangiectasia syndrome. Last evaluated: 2016-10-12. Review status: criteria provided, single submitter. Criteria: Invitae Variant Classification Sherloc (09022015). Collection method: clinical testing. Allele origin: germline.
Comment: This variant is a gross deletion of the genomic region encompassing exons 46- 63 of the ATM gene. The 5' boundary is likely confined to intron 45. The 3' end of this event is unknown as it extends through the termination codon beyond the assayed region for this gene and may encompass additional genes. While this deletion is not anticipated to result in nonsense mediated decay, it is expected to create a truncated ATM protein. While this particular variant has not been reported in the literature, gross deletions and truncating variants in ATM are known to be pathogenic (PMID: 25614872, 23807571). This gross deletion eliminates the last 866 amino acid residues of the ATM protein, including the FAT, PI3/4 kinase, and FATC or PIK-related kinase domains, which are crucial for the proper function of the ATM protein (PMID: 23532176, 25460276, 23532176, 19781682, 23532176, 19781682). Also, a deletion encompassing exons 62-63 and the 3' UTR of ATM is reported as pathogenic and causative for autosomal recessive ataxia-telangiectasia (PMID: 9443866) and has been reported in an individual affected with breast cancer (Invitae database). For these reasons, this variant has been classified as Pathogenic.

NC_000011.10:g.(?_108325310)_(108369099_?)del

Genes: ATM (ATM serine/threonine kinase; plus strand), C11orf65 (chromosome 11 open reading frame 65; minus strand), LOC129390354 (MPRA-validated peak1451 silencer; plus strand). Cytogenetic location: 11q22.3.
Variant type: Deletion.
Identifiers: ClinVar variation 417405 (VCV000417405.1).